The following is an entry in ClinVar:

ClinVar aggregate classification (germline): Uncertain significance (1 of 4 stars; one submission).

Allele frequency attached by ClinVar (database versions not stated): gnomAD exomes below 0.00001 and 0.00001; TOPMed below 0.00001; ExAC 0.00002.
gnomAD v4.1: 2 of 1,613,872 alleles (0.00012%); highest among the groups gnomAD compares: Admixed American, 0.0033%; no homozygotes.

Submission:

Labcorp Genetics (formerly Invitae), Labcorp
Classification: Uncertain significance. Last evaluated: 2024-06-19. Review status: criteria provided, single submitter. Criteria: Invitae Variant Classification Sherloc (09022015). Collection method: clinical testing. Allele origin: germline.
Comment: This sequence change replaces serine, which is neutral and polar, with cysteine, which is neutral and slightly polar, at codon 902 of the CACNA2D4 protein (p.Ser902Cys). This variant is present in population databases (rs755274472, gnomAD 0.003%). This variant has not been reported in the literature in individuals affected with CACNA2D4-related conditions. ClinVar contains an entry for this variant (Variation ID: 1396604). An algorithm developed to predict the effect of missense changes on protein structure and function (PolyPhen-2) suggests that this variant is likely to be disruptive. In summary, the available evidence is currently insufficient to determine the role of this variant in disease. Therefore, it has been classified as a Variant of Uncertain Significance.

NM_172364.5(CACNA2D4):c.2705C>G (p.Ser902Cys)

Gene: CACNA2D4 (calcium voltage-gated channel auxiliary subunit alpha2delta 4; minus strand). Cytogenetic location: 12p13.33.
Variant type: single nucleotide variant.
Coding change: c.2705C>G on transcript NM_172364.5 (MANE Select); coding-DNA position 2705, C replaced by G.
Protein change: p.Ser902Cys; replaces serine 902 with cysteine.
Molecular consequence: missense variant.
Genome position (GRCh38, 1-based): chr12:1,810,294, G>C on the plus strand (C>G on the coding strand, the complement: CACNA2D4 is on the minus strand). VCF-style: chr12-1810294-G-C. GRCh37 (hg19) VCF-style: chr12-1919460-G-C.
Other names: short protein forms S902C.
Identifiers: ClinVar variation 1396604 (VCV001396604.8), dbSNP rs755274472, ClinGen allele CA6386248.